The following is an entry in ClinVar:

ClinVar aggregate classification (germline): Likely benign. Review status: criteria provided, multiple submitters, no conflicts (2 of 4 stars). 2 submissions from 2 submitters: Likely benign (2). Last evaluated 2025-04-01.

Conditions:
Metachromatic leukodystrophy (MLD). Also called: ARSA DEFICIENCY; Cerebral sclerosis diffuse metachromatic form; CEREBROSIDE SULFATASE DEFICIENCY; METACHROMATIC LEUKOENCEPHALOPATHY; Arylsulfatase A Deficiency; SULFATIDE LIPIDOSIS. Identifiers: Orphanet 512, MedGen C0023522, MONDO:0018868, OMIM 250100.

Submissions (2):

Labcorp Genetics (formerly Invitae), Labcorp
Classification: Likely benign for Metachromatic leukodystrophy. Last evaluated: 2025-04-01. Review status: criteria provided, single submitter. Criteria: Invitae Variant Classification Sherloc (09022015). Collection method: clinical testing. Allele origin: germline.

Women's Health and Genetics/Laboratory Corporation of America, LabCorp
Classification: Likely benign. Last evaluated: 2022-05-04. Review status: criteria provided, single submitter. Criteria: LabCorp Variant Classification Summary - May 2015. Collection method: clinical testing. Allele origin: germline.
Comment: Variant summary: ARSA c.495G>T alters a conserved nucleotide resulting in a synonymous change. 4/4 computational tools predict no significant impact on normal splicing. However, these predictions have yet to be confirmed by functional studies. The variant allele was found at a frequency of 1.2e-05 in 241284 control chromosomes (gnomAD). The available data on variant occurrences in the general population are insufficient to allow any conclusion about variant significance. To our knowledge, no occurrence of c.495G>T in individuals affected with Metachromatic Leukodystrophy and no experimental evidence demonstrating its impact on protein function have been reported. One clinical diagnostic laboratory has submitted clinical-significance assessments for this variant to ClinVar after 2014 without evidence for independent evaluation and classified the variant as likely benign. Based on the evidence outlined above, the variant was classified as likely benign.

NM_000487.6(ARSA):c.495G>T (p.Pro165=)

Gene: ARSA (arylsulfatase A; minus strand). Cytogenetic location: 22q13.33.
Variant type: single nucleotide variant.
Coding change: c.495G>T on transcript NM_000487.6 (MANE Select); coding-DNA position 495, G replaced by T.
Protein change: p.Pro165=; no amino-acid change (proline 165 retained).
Molecular consequence: synonymous variant.
Genome position (GRCh38, 1-based): chr22:50,627,023, C>A on the plus strand (G>T on the coding strand, the complement: ARSA is on the minus strand). VCF-style: chr22-50627023-C-A. GRCh37 (hg19) VCF-style: chr22-51065451-C-A.
Other names: c.495G>T, p.Pro165= (NM_001085425.3, NM_001085426.3, NM_001085427.3); c.237G>T, p.Pro79= (NM_001085428.3, NM_001362782.2).
Identifiers: ClinVar variation 1090544 (VCV001090544.10), dbSNP rs145299072, ClinGen allele CA325531542.